The following is an entry in ClinVar:

ClinVar aggregate classification (germline): Uncertain significance (0 of 4 stars; one submission).

Allele frequency attached by ClinVar (database versions not stated): gnomAD exomes below 0.00001; TOPMed below 0.00001.
gnomAD v4.1: 1 of 1,612,252 alleles (0.000062%); highest among the groups gnomAD compares: Non-Finnish European, 0.000085%; no homozygotes.

Submission:

Department of Pathology and Laboratory Medicine, Sinai Health System
Classification: Uncertain significance. Review status: no assertion criteria provided. Collection method: clinical testing. Allele origin: unknown. Affected: yes. Study: The Canadian Open Genetics Repository (COGR).
Comment: The TTN p.Glu4897Asp variant was not identified in the literature nor was it identified in dbSNP, ClinVar or in the following control databases: the 1000 Genomes Project, the NHLBI GO Exome Sequencing Project, or the Genome Aggregation Database (March 6, 2019, v2.1.1). The p.Glu4897 residue has limited species conservation information and computational analyses (BLOSUM, MutationTaster) do not suggest a high likelihood of impact to the protein; this information is not predictive enough to rule out pathogenicity. The variant occurs outside of the splicing consensus sequence and in silico or computational prediction software programs (SpliceSiteFinder, MaxEntScan, NNSPLICE, GeneSplicer) do not predict a difference in splicing. In summary, based on the above information the clinical significance of this variant cannot be determined with certainty at this time. This variant is classified as a variant of uncertain significance.

NM_133379.5(TTN):c.14691G>C (p.Glu4897Asp)

Genes: TTN (titin; minus strand), LOC126806432 (CDK7 strongly-dependent group 2 enhancer GRCh37_chr2:179611985-179613184; plus strand). Cytogenetic location: 2q31.2.
Variant type: single nucleotide variant.
Coding change: c.14691G>C on transcript NM_133379.5; coding-DNA position 14691, G replaced by C.
Protein change: p.Glu4897Asp; replaces glutamic acid 4897 with aspartic acid.
Molecular consequence: missense variant. On other transcripts: intron variant (6).
Genome position (GRCh38, 1-based): chr2:178,747,709, C>G on the plus strand (G>C on the coding strand, the complement: TTN is on the minus strand). VCF-style: chr2-178747709-C-G. GRCh37 (hg19) VCF-style: chr2-179612436-C-G.
Other names: c.10222+5415G>C (NM_003319.4); c.10798+5415G>C (NM_133437.4); c.10597+5415G>C (NM_133432.3); c.10360+5415G>C (NM_133378.4, NM_001256850.1); c.11311+5415G>C (NM_001267550.2); short protein forms E4897D.
Identifiers: ClinVar variation 1049538 (VCV001049538.1), dbSNP rs2084069317, ClinGen allele CA349640415.
Genomic context (GRCh38, chr2:178,747,709, plus strand): 5'-AACCTCACGCTTTCCAGCAGCAAGTAAATATTGTGTTAGGGAGGTCTCAGATTCTGCTGC[C>G]TCAGTGGTATGTGCCTCATCTAATTTAGGAATATTTTGAGAAAAACTAGTTTCTATCATT-3'